The following is an entry in ClinVar:

ClinVar aggregate classification (germline): Uncertain significance (1 of 4 stars; one submission).

Submission:

GeneDx
Classification: Uncertain significance. Last evaluated: 2024-03-10. Review status: criteria provided, single submitter. Criteria: GeneDx Variant Classification Process June 2021. Collection method: clinical testing. Allele origin: germline. Affected: yes.
Comment: Not observed at significant frequency in large population cohorts (gnomAD); In silico analysis supports that this missense variant has a deleterious effect on protein structure/function; Has not been previously published as pathogenic or benign to our knowledge

NM_000875.5(IGF1R):c.3440T>G (p.Phe1147Cys)

Gene: IGF1R (insulin like growth factor 1 receptor; plus strand). Cytogenetic location: 15q26.3.
Variant type: single nucleotide variant.
Coding change: c.3440T>G on transcript NM_000875.5 (MANE Select); coding-DNA position 3440, T replaced by G.
Protein change: p.Phe1147Cys; replaces phenylalanine 1147 with cysteine.
Molecular consequence: missense variant.
Genome position (GRCh38, 1-based): chr15:98,939,343, T>G. VCF-style: chr15-98939343-T-G. GRCh37 (hg19) VCF-style: chr15-99482572-T-G.
Other names: c.3437T>G, p.Phe1146Cys (NM_001291858.2); short protein forms F1146C, F1147C.
Identifiers: ClinVar variation 3370803 (VCV003370803.1).